The following is an entry in ClinVar:

ClinVar aggregate classification (germline): Uncertain significance (1 of 4 stars; one submission).

Conditions:
Symmetrical dyschromatosis of extremities (DSH). Also called: DYSCHROMATOSIS SYMMETRICA HEREDITARIA 1; RETICULATE ACROPIGMENTATION OF DOHI; SYMMETRIC DYSCHROMATOSIS OF THE EXTREMITIES; Dyschromatosis symmetrica hereditaria. Identifiers: Orphanet 41, MedGen C0406775, MONDO:0007483, OMIM 127400.
Aicardi-Goutieres syndrome 6 (AGS6). Identifiers: Orphanet 51, MedGen C3539013, MONDO:0014007, OMIM 615010.

Submission:

Labcorp Genetics (formerly Invitae), Labcorp
Classification: Uncertain significance for Aicardi-Goutieres syndrome 6; Symmetrical dyschromatosis of extremities. Last evaluated: 2020-12-13. Review status: criteria provided, single submitter. Criteria: Invitae Variant Classification Sherloc (09022015). Collection method: clinical testing. Allele origin: germline.
Comment: In summary, the available evidence is currently insufficient to determine the role of this variant in disease. Therefore, it has been classified as a Variant of Uncertain Significance. Algorithms developed to predict the effect of missense changes on protein structure and function are either unavailable or do not agree on the potential impact of this missense change (SIFT: "Deleterious"; PolyPhen-2: "Benign"; Align-GVGD: "Class C0"). This variant has not been reported in the literature in individuals with ADAR-related conditions. This variant is not present in population databases (ExAC no frequency). This sequence change replaces asparagine with histidine at codon 711 of the ADAR protein (p.Asn711His). The asparagine residue is moderately conserved and there is a small physicochemical difference between asparagine and histidine.

NM_001111.5(ADAR):c.2131A>C (p.Asn711His)

Gene: ADAR (adenosine deaminase RNA specific; minus strand). Cytogenetic location: 1q21.3.
Variant type: single nucleotide variant.
Coding change: c.2131A>C on transcript NM_001111.5 (MANE Select); coding-DNA position 2131, A replaced by C.
Protein change: p.Asn711His; replaces asparagine 711 with histidine.
Molecular consequence: missense variant. On other transcripts: intron variant (1).
Genome position (GRCh38, 1-based): chr1:154,596,944, T>G on the plus strand (A>C on the coding strand, the complement: ADAR is on the minus strand). VCF-style: chr1-154596944-T-G. GRCh37 (hg19) VCF-style: chr1-154569420-T-G.
Other names: c.1246A>C, p.Asn416His (NM_001025107.3, NM_001193495.2, NM_001365046.1 and 3 more transcripts); c.2158A>C, p.Asn720His (NM_001365045.1); c.2131A>C, p.Asn711His (NM_015840.4); c.2080-6A>C (NM_015841.4); short protein forms N711H, N416H, N720H.
Identifiers: ClinVar variation 1512137 (VCV001512137.8), dbSNP rs2101619763, ClinGen allele CA342637948.